The following is an entry in ClinVar:

NM_001110556.2(FLNA):c.5638G>A (p.Val1880Met)

Gene: FLNA (filamin A; minus strand). Cytogenetic location: Xq28.
Variant type: single nucleotide variant.
Coding change: c.5638G>A on transcript NM_001110556.2 (MANE Select); coding-DNA position 5638, G replaced by A.
Protein change: p.Val1880Met; replaces valine 1880 with methionine.
Molecular consequence: missense variant.
Genome position (GRCh38, 1-based): chrX:154,353,963, C>T on the plus strand (G>A on the coding strand, the complement: FLNA is on the minus strand). VCF-style: chrX-154353963-C-T. GRCh37 (hg19) VCF-style: chrX-153582331-C-T.
Other names: c.5614G>A, p.Val1872Met (NM_001456.4); short protein forms V1872M, V1880M.
Identifiers: ClinVar variation 4682083 (VCV004682083.5).

ClinVar aggregate classification (germline): Uncertain significance (1 of 4 stars; one submission).

Submission:

CeGaT Center for Human Genetics Tuebingen
Classification: Uncertain significance. Last evaluated: 2025-12-01. Review status: criteria provided, single submitter. Criteria: CeGaT Center For Human Genetics Tuebingen Variant Classification Criteria Version 2. Collection method: clinical testing. Allele origin: germline. Affected: yes. Observed: 1 variant allele.
Comment: FLNA: PM2